The following is an entry in ClinVar:

ClinVar aggregate classification (germline): Uncertain significance (1 of 4 stars; one submission).

Conditions:
DAO-related disorder. Also called: DAO-related condition.

gnomAD v4.1: 3 of 1,613,930 alleles (0.00019%); highest among the groups gnomAD compares: Non-Finnish European, 0.00025%; no homozygotes.

Submission:

PreventionGenetics, part of Exact Sciences
Classification: Uncertain significance for DAO-related condition. Last evaluated: 2023-05-16. Review status: criteria provided, single submitter. Criteria: ACMG Guidelines, 2015. Collection method: clinical testing. Allele origin: germline.
Comment: The DAO c.4C>A variant is predicted to result in the amino acid substitution p.Arg2Ser. To our knowledge, this variant has not been reported in the literature or in a large population database, indicating this variant is rare. At this time, the clinical significance of this variant is uncertain due to the absence of conclusive functional and genetic evidence.

NM_001917.5(DAO):c.4C>A (p.Arg2Ser)

Gene: DAO (D-amino acid oxidase; plus strand). Cytogenetic location: 12q24.11.
Variant type: single nucleotide variant.
Coding change: c.4C>A on transcript NM_001917.5 (MANE Select); coding-DNA position 4, C replaced by A.
Protein change: p.Arg2Ser; replaces arginine 2 with serine.
Molecular consequence: missense variant.
Genome position (GRCh38, 1-based): chr12:108,885,010, C>A. VCF-style: chr12-108885010-C-A. GRCh37 (hg19) VCF-style: chr12-109278786-C-A.
Other names: c.4C>A, p.Arg2Ser (NM_001413634.1, NM_001413635.1); short protein forms R2S.
Identifiers: ClinVar variation 2631998 (VCV002631998.1), dbSNP rs773765064, ClinGen allele CA386445675.